The following is an entry in ClinVar:

NM_001352754.2(ARMC9):c.1933A>G (p.Ser645Gly)

Gene: ARMC9 (armadillo repeat containing 9; plus strand). Cytogenetic location: 2q37.1.
Variant type: single nucleotide variant.
Coding change: c.1933A>G on transcript NM_001352754.2 (MANE Select); coding-DNA position 1933, A replaced by G.
Protein change: p.Ser645Gly; replaces serine 645 with glycine.
Molecular consequence: missense variant. On other transcripts: non-coding transcript variant (1).
Genome position (GRCh38, 1-based): chr2:231,345,029, A>G. VCF-style: chr2-231345029-A-G. GRCh37 (hg19) VCF-style: chr2-232209741-A-G.
Other names: c.1933A>G, p.Ser645Gly (NM_001271466.4, NM_001291656.2, NM_001352755.2 and 2 more transcripts); c.1834A>G, p.Ser612Gly (NM_001352757.2, NM_001352758.2); c.1828A>G, p.Ser610Gly (NM_001352759.2); short protein forms S645G, S610G, S612G.
Identifiers: ClinVar variation 844548 (VCV000844548.11), dbSNP rs2044735948, ClinGen allele CA350957059.

ClinVar aggregate classification (germline): Uncertain significance (1 of 4 stars; one submission).

Allele frequency attached by ClinVar (database versions not stated): gnomAD exomes below 0.00001; gnomAD 0.00001.
gnomAD v4.1: 2 of 1,614,066 alleles (0.00012%); highest among the groups gnomAD compares: Non-Finnish European, 0.00017%; no homozygotes.

Submission:

Labcorp Genetics (formerly Invitae), Labcorp
Classification: Uncertain significance. Last evaluated: 2022-02-05. Review status: criteria provided, single submitter. Criteria: Invitae Variant Classification Sherloc (09022015). Collection method: clinical testing. Allele origin: germline.
Comment: In summary, the available evidence is currently insufficient to determine the role of this variant in disease. Therefore, it has been classified as a Variant of Uncertain Significance. Experimental studies and prediction algorithms are not available or were not evaluated, and the functional significance of this variant is currently unknown. ClinVar contains an entry for this variant (Variation ID: 844548). This variant has not been reported in the literature in individuals affected with ARMC9-related conditions. This variant is not present in population databases (gnomAD no frequency). This sequence change replaces serine, which is neutral and polar, with glycine, which is neutral and non-polar, at codon 645 of the ARMC9 protein (p.Ser645Gly).